The following is an entry in ClinVar:

NM_020971.3(SPTBN4):c.7295A>G (p.Asp2432Gly)

Genes: SPTBN4 (spectrin beta, non-erythrocytic 4; plus strand), LOC130064467 (ATAC-STARR-seq lymphoblastoid silent region 10632; plus strand). Cytogenetic location: 19q13.2.
Variant type: single nucleotide variant.
Coding change: c.7295A>G on transcript NM_020971.3 (MANE Select); coding-DNA position 7295, A replaced by G.
Protein change: p.Asp2432Gly; replaces aspartic acid 2432 with glycine.
Molecular consequence: missense variant.
Genome position (GRCh38, 1-based): chr19:40,570,704, A>G. VCF-style: chr19-40570704-A-G. GRCh37 (hg19) VCF-style: chr19-41076610-A-G.
Other names: short protein forms D2432G.
Identifiers: ClinVar variation 2499961 (VCV002499961.2), dbSNP rs755613001, ClinGen allele CA9446926.
Genomic context (GRCh38, chr19:40,570,704, plus strand): 5'-CGCCACCGCCCACTCACACAGTGCAGCACGAGGGCTTCCTACTGCGCAAGCGCGAGCTCG[A>G]CGCTAACCGCAAGTCGTCCAACCGGTGAGCGTGTGGGCGGGGCTTTGGAAGGCGGGTCTC-3'
Protein context (NP_066022.2, residues 2422-2442): EGFLLRKREL[Asp2432Gly]ANRKSSNRSW

ClinVar aggregate classification (germline): Uncertain significance. Review status: criteria provided, multiple submitters, no conflicts (2 of 4 stars). 2 submissions from 2 submitters: Uncertain significance (2). Last evaluated 2026-03-19.

Conditions:
Inborn genetic diseases. Identifiers: MedGen C0950123, MeSH D030342.

Allele frequency attached by ClinVar (database versions not stated): ExAC 0.00001; gnomAD 0.00002; TOPMed 0.00003.
gnomAD v4.1: 20 of 1,608,324 alleles (0.0012%); highest among the groups gnomAD compares: African/African-American, 0.004%; no homozygotes.

Submissions (2):

Ambry Genetics
Classification: Uncertain significance for Inborn genetic diseases. Last evaluated: 2026-03-19. Review status: criteria provided, single submitter. Criteria: Ambry Variant Classification Scheme 2023. Collection method: clinical testing. Allele origin: germline.

GeneDx
Classification: Uncertain significance. Last evaluated: 2023-04-20. Review status: criteria provided, single submitter. Criteria: GeneDx Variant Classification Process June 2021. Collection method: clinical testing. Allele origin: germline. Affected: yes.
Comment: Not observed at significant frequency in large population cohorts (gnomAD); In silico analysis supports that this missense variant does not alter protein structure/function; Has not been previously published as pathogenic or benign to our knowledge